The following is an entry in ClinVar:

ClinVar aggregate classification (germline): Likely pathogenic (1 of 4 stars; one submission).

Conditions:
Developmental and epileptic encephalopathy, 54. Also called: Epileptic encephalopathy, early infantile, 54; HNRNPU-Related Neurodevelopmental Disorder. Identifiers: MedGen C4479319, MONDO:0033363, OMIM 617391.

Submission:

3billion
Classification: Likely pathogenic for Developmental and epileptic encephalopathy, 54. Last evaluated: 2024-06-28. Review status: criteria provided, single submitter. Criteria: ACMG Guidelines, 2015. Collection method: clinical testing. Allele origin: germline. Affected: yes.
Comment: The variant is not observed in the gnomAD v4.0.0 dataset. Predicted Consequence/Location: Frameshift: predicted to result in a loss or disruption of normal protein function through nonsense-mediated decay (NMD) or protein truncation. Multiple pathogenic variants are reported downstream of the variant. Therefore, this variant is classified as Likely pathogenic according to the recommendation of ACMG/AMP guideline.

NM_031844.3(HNRNPU):c.1457_1460dup (p.Pro488fs)

Gene: HNRNPU (heterogeneous nuclear ribonucleoprotein U; minus strand). Cytogenetic location: 1q44.
Variant type: Duplication.
Coding change: c.1457_1460dup on transcript NM_031844.3 (MANE Select); coding-DNA positions 1457 to 1460, 4 bases duplicated (GAGG; older notation c.1457_1460dupGAGG).
Protein change: p.Pro488fs; shifts the reading frame from proline 488.
Molecular consequence: frameshift variant.
Genome position (GRCh38, 1-based): chr1:244,858,045-244,858,048, CCTC duplicated on the plus strand (GAGG on the coding strand, the reverse complement: HNRNPU is on the minus strand). VCF-style (leftmost placement, unchanged base first): chr1-244858044-T-TCCTC. GRCh37 (hg19) VCF-style: chr1-245021346-T-TCCTC.
Other names: c.1400_1403dup, p.Pro469fs (NM_004501.3); short protein forms P469fs, P488fs.
Identifiers: ClinVar variation 4293980 (VCV004293980.1).